The following is an entry in ClinVar:

ClinVar aggregate classification (germline): Likely benign (1 of 4 stars; one submission).

gnomAD v4.1: 457 of 1,592,322 alleles (0.029%); highest among the groups gnomAD compares: African/African-American, 0.3%; 2 homozygotes.

Submission:

CeGaT Center for Human Genetics Tuebingen
Classification: Likely benign. Last evaluated: 2026-03-01. Review status: criteria provided, single submitter. Criteria: CeGaT Center For Human Genetics Tuebingen Variant Classification Criteria Version 2. Collection method: clinical testing. Allele origin: germline. Affected: yes. Observed: 2 variant alleles.
Comment: AGO2: BP4, BP7

NM_012154.5(AGO2):c.1806C>A (p.Pro602=)

Gene: AGO2 (argonaute RISC catalytic component 2; minus strand). Cytogenetic location: 8q24.3.
Variant type: single nucleotide variant.
Coding change: c.1806C>A on transcript NM_012154.5 (MANE Select); coding-DNA position 1806, C replaced by A.
Protein change: p.Pro602=; no amino-acid change (proline 602 retained).
Molecular consequence: synonymous variant.
Genome position (GRCh38, 1-based): chr8:140,544,246, G>T on the plus strand (C>A on the coding strand, the complement: AGO2 is on the minus strand). VCF-style: chr8-140544246-G-T. GRCh37 (hg19) VCF-style: chr8-141554345-G-T.
Other names: c.1806C>A, p.Pro602= (NM_001164623.3).
Identifiers: ClinVar variation 3388019 (VCV003388019.14).